The following is an entry in ClinVar:

ClinVar aggregate classification (germline): Uncertain significance. Review status: criteria provided, multiple submitters, no conflicts (2 of 4 stars). 2 submissions from 2 submitters: Uncertain significance (2). Last evaluated 2025-06-11.

Conditions:
Dyskeratosis congenita. Identifiers: Orphanet 1775, MedGen C0265965, MONDO:0015780.

Submissions (2):

GeneDx
Classification: Uncertain significance. Last evaluated: 2025-06-11. Review status: criteria provided, single submitter. Criteria: GeneDx Variant Classification Process June 2021. Collection method: clinical testing. Allele origin: germline. Affected: yes.
Comment: Not observed at significant frequency in large population cohorts (gnomAD); In silico analysis supports that this missense variant has a deleterious effect on protein structure/function; Has not been previously published as pathogenic or benign to our knowledge

Labcorp Genetics (formerly Invitae), Labcorp
Classification: Uncertain significance for Dyskeratosis congenita. Last evaluated: 2025-03-05. Review status: criteria provided, single submitter. Criteria: Invitae Variant Classification Sherloc (09022015). Collection method: clinical testing. Allele origin: germline.
Comment: This sequence change replaces histidine, which is basic and polar, with tyrosine, which is neutral and polar, at codon 160 of the DKC1 protein (p.His160Tyr). This variant is not present in population databases (gnomAD no frequency). This variant has not been reported in the literature in individuals affected with DKC1-related conditions. Invitae Evidence Modeling of protein sequence and biophysical properties (such as structural, functional, and spatial information, amino acid conservation, physicochemical variation, residue mobility, and thermodynamic stability) indicates that this missense variant is expected to disrupt DKC1 protein function with a positive predictive value of 80%. In summary, the available evidence is currently insufficient to determine the role of this variant in disease. Therefore, it has been classified as a Variant of Uncertain Significance.

NM_001363.5(DKC1):c.478C>T (p.His160Tyr)

Gene: DKC1 (dyskerin pseudouridine synthase 1; plus strand). Cytogenetic location: Xq28.
Variant type: single nucleotide variant.
Coding change: c.478C>T on transcript NM_001363.5 (MANE Select); coding-DNA position 478, C replaced by T.
Protein change: p.His160Tyr; replaces histidine 160 with tyrosine.
Molecular consequence: missense variant. On other transcripts: non-coding transcript variant (3).
Genome position (GRCh38, 1-based): chrX:154,767,026, C>T. VCF-style: chrX-154767026-C-T. GRCh37 (hg19) VCF-style: chrX-153995301-C-T.
Other names: c.478C>T, p.His160Tyr (NM_001142463.3, NM_001288747.2); short protein forms H160Y.
Identifiers: ClinVar variation 4538685 (VCV004538685.2).